The following is an entry in ClinVar:

NM_000414.4(HSD17B4):c.1168G>T (p.Gly390Ter)

Gene: HSD17B4 (hydroxysteroid 17-beta dehydrogenase 4; plus strand). Cytogenetic location: 5q23.1.
Variant type: single nucleotide variant.
Coding change: c.1168G>T on transcript NM_000414.4 (MANE Select); coding-DNA position 1168, G replaced by T.
Protein change: p.Gly390Ter; replaces glycine 390 with a stop codon.
Molecular consequence: nonsense. On other transcripts: non-coding transcript variant (2).
Genome position (GRCh38, 1-based): chr5:119,499,512, G>T. VCF-style: chr5-119499512-G-T. GRCh37 (hg19) VCF-style: chr5-118835207-G-T.
Other names: c.1243G>T, p.Gly415Ter (NM_001199291.3); c.1114G>T, p.Gly372Ter (NM_001199292.2); c.1096G>T, p.Gly366Ter (NM_001292027.2); c.748G>T, p.Gly250Ter (NM_001292028.2); c.1159G>T, p.Gly387Ter (NM_001374497.1); c.1168G>T, p.Gly390Ter (NM_001374498.1); c.841G>T, p.Gly281Ter (NM_001374499.1); c.727G>T, p.Gly243Ter (NM_001374500.1); and 1 more; short protein forms G243*, G250*, G415*, G387*, G281*, G366*, G390*, G253*.
Identifiers: ClinVar variation 2100912 (VCV002100912.4), dbSNP rs2531743689, ClinGen allele CA360868273.

ClinVar aggregate classification (germline): Pathogenic/Likely pathogenic. Review status: criteria provided, multiple submitters, no conflicts (2 of 4 stars). 2 submissions from 2 submitters: Pathogenic (1); Likely pathogenic (1). Last evaluated 2022-02-21.

Conditions:
Bifunctional peroxisomal enzyme deficiency (DBIF). Also called: PBFE DEFICIENCY; DBP DEFICIENCY; D-bifunctional protein deficiency. Identifiers: Orphanet 300, MedGen C0342870, MONDO:0009855, OMIM 261515. Disease mechanism: loss of function.
Perrault syndrome. Also called: Gonadal dysgenesis with auditory dysfunction, autosomal recessive inheritance. Identifiers: Orphanet 2855, MedGen C0685838, MONDO:0017312.

Submissions (2):

Labcorp Genetics (formerly Invitae), Labcorp
Classification: Pathogenic for Perrault syndrome; Bifunctional peroxisomal enzyme deficiency. Last evaluated: 2022-02-21. Review status: criteria provided, single submitter. Criteria: Invitae Variant Classification Sherloc (09022015). Collection method: clinical testing. Allele origin: germline.
Comment: For these reasons, this variant has been classified as Pathogenic. This variant has not been reported in the literature in individuals affected with HSD17B4-related conditions. This variant is not present in population databases (gnomAD no frequency). This sequence change creates a premature translational stop signal (p.Gly390*) in the HSD17B4 gene. It is expected to result in an absent or disrupted protein product. Loss-of-function variants in HSD17B4 are known to be pathogenic (PMID: 11810648, 16385454).

Neuberg Centre For Genomic Medicine, NCGM
Classification: Likely pathogenic for Bifunctional peroxisomal enzyme deficiency. Review status: criteria provided, single submitter. Criteria: ACMG Guidelines, 2015. Collection method: clinical testing. Allele origin: germline. Inheritance: Autosomal recessive inheritance. Affected: yes.
Comment: The stop gained variant c.1168G>T (p.Gly390Ter) has not been reported previously as a pathogenic variant nor as a benign variant, to our knowledge. The c.1168G>T variant is novel (not in any individuals) in gnomAD Exomes and 1000 Genomes. Loss of function variants have been previously reported to be disease causing. For these reasons, this variant has been classified as Likely pathogenic.

Literature cited by the submitters: PubMed 11810648 (cited by Labcorp Genetics (formerly Invitae), Labcorp); PubMed 16385454 (cited by Labcorp Genetics (formerly Invitae), Labcorp).